The following is an entry in ClinVar:

NM_213599.3(ANO5):c.368C>T (p.Ser123Leu)

Gene: ANO5 (anoctamin 5; plus strand). Cytogenetic location: 11p14.3.
Variant type: single nucleotide variant.
Coding change: c.368C>T on transcript NM_213599.3 (MANE Select); coding-DNA position 368, C replaced by T.
Protein change: p.Ser123Leu; replaces serine 123 with leucine.
Molecular consequence: missense variant.
Genome position (GRCh38, 1-based): chr11:22,227,306, C>T. VCF-style: chr11-22227306-C-T. GRCh37 (hg19) VCF-style: chr11-22248852-C-T.
Other names: c.365C>T, p.Ser122Leu (NM_001142649.2); short protein forms S122L, S123L.
Identifiers: ClinVar variation 935472 (VCV000935472.45), dbSNP rs575008764, ClinGen allele CA5922916.

ClinVar aggregate classification (germline): Conflicting classifications of pathogenicity. Review status: criteria provided, conflicting classifications (1 of 4 stars). 5 submissions from 5 submitters: Likely pathogenic (3); Uncertain significance (2). Last evaluated 2025-02-10.

Conditions:
Autosomal recessive limb-girdle muscular dystrophy. Identifiers: Orphanet 102015, MedGen C2931907, MONDO:0015152.
Autosomal recessive limb-girdle muscular dystrophy type 2L (LGMDR12). Also called: Limb-girdle muscular dystrophy, type 2L; Limb-Girdle Muscular Dystrophy R12 Anoctamin-5-Related (LGMD-R12); MUSCULAR DYSTROPHY, LIMB-GIRDLE, AUTOSOMAL RECESSIVE 12. Identifiers: Orphanet 206549, MedGen C1969785, MONDO:0012652, OMIM 611307.
Gnathodiaphyseal dysplasia (GDD). Also called: GNATHODIAPHYSEAL SCLEROSIS; OSTEOGENESIS IMPERFECTA WITH UNUSUAL SKELETAL LESIONS. Identifiers: Orphanet 53697, MedGen C1833736, MONDO:0008151, OMIM 166260.

Allele frequency attached by ClinVar (database versions not stated): gnomAD 0.00001 and 0.00002; gnomAD exomes 0.00002; TOPMed 0.00002; ExAC 0.00003; 1000 Genomes Project 30x 0.00016; 1000 Genomes Project 0.00020.
gnomAD v4.1: 15 of 1,612,644 alleles (0.00093%); highest among the groups gnomAD compares: African/African-American, 0.0067%; no homozygotes.

Submissions (5):

Women's Health and Genetics/Laboratory Corporation of America, LabCorp
Classification: Likely pathogenic for Autosomal recessive limb-girdle muscular dystrophy. Last evaluated: 2025-02-10. Review status: criteria provided, single submitter. Criteria: LabCorp Variant Classification Summary - May 2015. Collection method: clinical testing. Allele origin: germline.
Comment: Variant summary: ANO5 c.368C>T (p.Ser123Leu) results in a non-conservative amino acid change located in the Anoctamin, dimerisation domain of the encoded protein sequence. Three of five in-silico tools predict a damaging effect of the variant on protein function. The variant allele was found at a frequency of 2e-05 in 250190 control chromosomes. c.368C>T has been reported in the literature in individuals affected with Limb-Girdle Muscular Dystrophy, Autosomal Recessive (Silva_2019, Ten Dam_2019). These data indicate that the variant is likely to be associated with disease. To our knowledge, no experimental evidence demonstrating an impact on protein function has been reported. The following publications have been ascertained in the context of this evaluation (PMID: 31353849, 30919934). ClinVar contains an entry for this variant (Variation ID: 935472). Based on the evidence outlined above, the variant was classified as likely pathogenic.

Labcorp Genetics (formerly Invitae), Labcorp
Classification: Likely pathogenic for Autosomal recessive limb-girdle muscular dystrophy type 2L; Gnathodiaphyseal dysplasia. Last evaluated: 2024-12-09. Review status: criteria provided, single submitter. Criteria: Invitae Variant Classification Sherloc (09022015). Collection method: clinical testing. Allele origin: germline.
Comment: This sequence change replaces serine, which is neutral and polar, with leucine, which is neutral and non-polar, at codon 123 of the ANO5 protein (p.Ser123Leu). This variant is present in population databases (rs575008764, gnomAD 0.007%). This missense change has been observed in individuals with autosomal recessive ANO5-related conditions (PMID: 30919934, 31353849). ClinVar contains an entry for this variant (Variation ID: 935472). Invitae Evidence Modeling of protein sequence and biophysical properties (such as structural, functional, and spatial information, amino acid conservation, physicochemical variation, residue mobility, and thermodynamic stability) has been performed for this missense variant. However, the output from this modeling did not meet the statistical confidence thresholds required to predict the impact of this variant on ANO5 protein function. In summary, the currently available evidence indicates that the variant is pathogenic, but additional data are needed to prove that conclusively. Therefore, this variant has been classified as Likely Pathogenic.

GeneDx
Classification: Uncertain significance. Last evaluated: 2024-06-16. Review status: criteria provided, single submitter. Criteria: GeneDx Variant Classification Process June 2021. Collection method: clinical testing. Allele origin: germline. Affected: yes.
Comment: Not observed at significant frequency in large population cohorts (gnomAD); In silico analysis supports that this missense variant has a deleterious effect on protein structure/function; This variant is associated with the following publications: (PMID: 31353849, 30919934)

CeGaT Center for Human Genetics Tuebingen
Classification: Likely pathogenic. Last evaluated: 2021-04-01. Review status: criteria provided, single submitter. Criteria: CeGaT Center For Human Genetics Tuebingen Variant Classification Criteria Version 2. Collection method: clinical testing. Allele origin: germline. Affected: yes. Observed: 1 variant allele.

Revvity Omics, Revvity
Classification: Uncertain significance. Last evaluated: 2020-12-01. Review status: criteria provided, single submitter. Criteria: ACMG Guidelines, 2015. Collection method: clinical testing. Allele origin: germline.

Literature cited by the submitters: PubMed 30919934 (cited by Women's Health and Genetics/Laboratory Corporation of America, LabCorp and Labcorp Genetics (formerly Invitae), Labcorp); PubMed 31353849 (cited by Women's Health and Genetics/Laboratory Corporation of America, LabCorp and Labcorp Genetics (formerly Invitae), Labcorp).